The following is an entry in ClinVar:

ClinVar aggregate classification (germline): Uncertain significance (1 of 4 stars; one submission).

Conditions:
EHMT1-related disorder. Also called: EHMT1-related condition.

gnomAD v4.1: 7 of 1,612,894 alleles (0.00043%); highest among the groups gnomAD compares: Non-Finnish European, 0.00051%; no homozygotes.

Submission:

PreventionGenetics, part of Exact Sciences
Classification: Uncertain significance for EHMT1-related condition. Last evaluated: 2026-06-18. Review status: criteria provided, single submitter. Criteria: ACMG Guidelines, 2015. Collection method: clinical testing. Allele origin: germline.
Comment: The EHMT1 c.411G>C variant is predicted to result in the amino acid substitution p.Leu137Phe. To our knowledge, this variant has not been reported in the literature or in a large population database (gnomAD), indicating this variant is rare. At this time, the clinical significance of this variant is uncertain due to the absence of conclusive functional and genetic evidence.

NM_024757.5(EHMT1):c.411G>C (p.Leu137Phe)

Gene: EHMT1 (euchromatic histone lysine methyltransferase 1; plus strand). Cytogenetic location: 9q34.3.
Variant type: single nucleotide variant.
Coding change: c.411G>C on transcript NM_024757.5 (MANE Select); coding-DNA position 411, G replaced by C.
Protein change: p.Leu137Phe; replaces leucine 137 with phenylalanine.
Molecular consequence: missense variant.
Genome position (GRCh38, 1-based): chr9:137,716,951, G>C. VCF-style: chr9-137716951-G-C. GRCh37 (hg19) VCF-style: chr9-140611403-G-C.
Other names: c.411G>C, p.Leu137Phe (NM_001145527.2, NM_001354263.2, NM_001354611.2); c.318G>C, p.Leu106Phe (NM_001354259.2, NM_001354612.2); short protein forms L106F, L137F.
Identifiers: ClinVar variation 4987106 (VCV004987106.1).